The following is an entry in ClinVar:

NM_006005.3(WFS1):c.906C>T (p.Tyr302=)

Gene: WFS1 (wolframin ER transmembrane glycoprotein; plus strand). Cytogenetic location: 4p16.1.
Variant type: single nucleotide variant.
Coding change: c.906C>T on transcript NM_006005.3 (MANE Select); coding-DNA position 906, C replaced by T.
Protein change: p.Tyr302=; no amino-acid change (tyrosine 302 retained).
Molecular consequence: synonymous variant.
Genome position (GRCh38, 1-based): chr4:6,300,701, C>T. VCF-style: chr4-6300701-C-T. GRCh37 (hg19) VCF-style: chr4-6302428-C-T.
Other names: c.906C>T, p.Tyr302= (NM_001145853.1).
Identifiers: ClinVar variation 3031841 (VCV003031841.3), dbSNP rs778510793, ClinGen allele CA2839146.

ClinVar aggregate classification (germline): Likely benign. Review status: criteria provided, single submitter (1 of 4 stars). 2 submissions from 2 submitters: Likely benign (1). 1 of the submissions does not count toward it. Last evaluated 2024-02-09.

Conditions:
WFS1-related disorder. Identifiers: MedGen CN379391, MONDO:0700293.

Allele frequency attached by ClinVar (database versions not stated): TOPMed below 0.00001; gnomAD 0.00001; ExAC 0.00002.
gnomAD v4.1: 29 of 1,613,946 alleles (0.0018%); highest among the groups gnomAD compares: South Asian, 0.026%; no homozygotes.

Submissions (2):

Blueprint Genetics
Classification: Likely benign. Last evaluated: 2024-02-09. Review status: criteria provided, single submitter. Criteria: ACMG Guidelines, 2015. Collection method: clinical testing. Allele origin: germline.

PreventionGenetics, part of Exact Sciences
Classification: Likely benign for WFS1-related condition. Last evaluated: 2020-11-03. Review status: no assertion criteria provided. Collection method: clinical testing. Allele origin: germline. Not counted in ClinVar's aggregate classification.
Comment: This variant is classified as likely benign based on ACMG/AMP sequence variant interpretation guidelines (Richards et al. 2015 PMID: 25741868, with internal and published modifications).